The following is an entry in ClinVar:

ClinVar aggregate classification (germline): Uncertain significance (1 of 4 stars; one submission).

Conditions:
Charcot-Marie-Tooth disease recessive intermediate C. Also called: CHARCOT-MARIE-TOOTH NEUROPATHY, RECESSIVE INTERMEDIATE C. Identifiers: Orphanet 369867, MedGen C3809309, MONDO:0014154, OMIM 615376.
Neuronopathy, distal hereditary motor, autosomal recessive 4. Also called: NEUROPATHY, DISTAL HEREDITARY MOTOR, AUTOSOMAL RECESSIVE 4; Autosomal recessive lower motor neuron disease with childhood onset. Identifiers: Orphanet 206580, MedGen C1970211, MONDO:0012608, OMIM 611067.

gnomAD v4.1: 3 of 1,595,014 alleles (0.00019%); highest among the groups gnomAD compares: Admixed American, 0.0018%; no homozygotes.

Submission:

Labcorp Genetics (formerly Invitae), Labcorp
Classification: Uncertain significance for Neuronopathy, distal hereditary motor, autosomal recessive 4; Charcot-Marie-Tooth disease recessive intermediate C. Last evaluated: 2022-04-11. Review status: criteria provided, single submitter. Criteria: Invitae Variant Classification Sherloc (09022015). Collection method: clinical testing. Allele origin: germline.
Comment: This sequence change replaces proline, which is neutral and non-polar, with arginine, which is basic and polar, at codon 972 of the PLEKHG5 protein (p.Pro972Arg). This variant is not present in population databases (gnomAD no frequency). This variant has not been reported in the literature in individuals affected with PLEKHG5-related conditions. ClinVar contains an entry for this variant (Variation ID: 1053826). Algorithms developed to predict the effect of missense changes on protein structure and function are either unavailable or do not agree on the potential impact of this missense change (SIFT: "Deleterious"; PolyPhen-2: "Benign"; Align-GVGD: "Class C15"). In summary, the available evidence is currently insufficient to determine the role of this variant in disease. Therefore, it has been classified as a Variant of Uncertain Significance.

NM_020631.6(PLEKHG5):c.2915C>G (p.Pro972Arg)

Gene: PLEKHG5 (pleckstrin homology and RhoGEF domain containing G5; minus strand). Cytogenetic location: 1p36.31.
Variant type: single nucleotide variant.
Coding change: c.2915C>G on transcript NM_020631.6 (MANE Select); coding-DNA position 2915, C replaced by G.
Protein change: p.Pro972Arg; replaces proline 972 with arginine.
Molecular consequence: missense variant. On other transcripts: intron variant (1).
Genome position (GRCh38, 1-based): chr1:6,467,921, G>C on the plus strand (C>G on the coding strand, the complement: PLEKHG5 is on the minus strand). VCF-style: chr1-6467921-G-C. GRCh37 (hg19) VCF-style: chr1-6527981-G-C.
Other names: c.3026C>G, p.Pro1009Arg (NM_001042663.3, NM_001265592.2); c.2915C>G, p.Pro972Arg (NM_001042664.2, NM_001042665.2, NM_198681.4); c.3122C>G, p.Pro1041Arg (NM_001265593.2); c.2738-23C>G (NM_001265594.3); short protein forms P1009R, P1041R, P972R.
Identifiers: ClinVar variation 1053826 (VCV001053826.6), dbSNP rs777368688, ClinGen allele CA17233288.
Genomic context (GRCh38, chr1:6,467,921, plus strand): 5'-CTGATTCGGTAGAGCTGGGCCAGGGTCAGCTTCCTGTGCTGGGCAGAGACCCCTGGTGGG[G>C]GCTCAGGCTGGACCCTGGGAGAGGCCCCCGAGGGCAGGTCTCCACACCTCTTCCTGTGGG-3'
Protein context (NP_065682.2, residues 962-982): SGASPRVQPE[Pro972Arg]PPGVSAQHRK